The following is an entry in ClinVar:

NM_004655.4(AXIN2):c.2355C>T (p.Ser785=)

Gene: AXIN2 (axin 2; minus strand). Cytogenetic location: 17q24.1.
Variant type: single nucleotide variant.
Coding change: c.2355C>T on transcript NM_004655.4 (MANE Select); coding-DNA position 2355, C replaced by T.
Protein change: p.Ser785=; no amino-acid change (serine 785 retained).
Molecular consequence: synonymous variant.
Genome position (GRCh38, 1-based): chr17:65,533,962, G>A on the plus strand (C>T on the coding strand, the complement: AXIN2 is on the minus strand). VCF-style: chr17-65533962-G-A. GRCh37 (hg19) VCF-style: chr17-63530080-G-A.
Other names: c.2355C>T (LRG_296t1); c.2160C>T, p.Ser720= (NM_001363813.1).
Identifiers: ClinVar variation 464608 (VCV000464608.16), dbSNP rs1392240261, ClinGen allele CA501475895.

ClinVar aggregate classification (germline): Benign/Likely benign. Review status: criteria provided, multiple submitters, no conflicts (2 of 4 stars). 4 submissions from 4 submitters: Benign (1); Likely benign (3). Last evaluated 2025-08-20.

Conditions:
Oligodontia-cancer predisposition syndrome. Also called: TOOTH AGENESIS-COLORECTAL CANCER SYNDROME. Identifiers: Orphanet 300576, MedGen C1837750, MONDO:0012075, OMIM 608615. Disease mechanism: loss of function.
Hereditary cancer-predisposing syndrome. Also called: Neoplastic Syndromes, Hereditary; Tumor predisposition; Hereditary Cancer Syndrome; Hereditary neoplastic syndrome. Identifiers: Orphanet 140162, MedGen C0027672, MeSH D009386, MONDO:0015356.

Allele frequency attached by ClinVar (database versions not stated): gnomAD exomes below 0.00001; gnomAD 0.00001.
gnomAD v4.1: 5 of 1,614,070 alleles (0.00031%); highest among the groups gnomAD compares: Admixed American, 0.005%; no homozygotes.

Submissions (4):

Labcorp Genetics (formerly Invitae), Labcorp
Classification: Likely benign for Oligodontia-cancer predisposition syndrome. Last evaluated: 2025-08-20. Review status: criteria provided, single submitter. Criteria: Invitae Variant Classification Sherloc (09022015). Collection method: clinical testing. Allele origin: germline.

Myriad Genetics, Inc.
Classification: Benign for Oligodontia-cancer predisposition syndrome. Last evaluated: 2024-07-10. Review status: criteria provided, single submitter. Criteria: Myriad Autosomal Dominant, Autosomal Recessive and X-Linked Classification Criteria (2023). Collection method: clinical testing. Allele origin: unknown.
Comment: This variant is considered benign. This variant is a silent/synonymous amino acid change and it is not expected to impact splicing.

Sema4
Classification: Likely benign for Hereditary cancer-predisposing syndrome. Last evaluated: 2021-10-26. Review status: criteria provided, single submitter. Criteria: Sema4 Curation Guidelines. Collection method: curation. Allele origin: germline.

Ambry Genetics
Classification: Likely benign for Hereditary cancer-predisposing syndrome. Last evaluated: 2021-03-23. Review status: criteria provided, single submitter. Criteria: Ambry Variant Classification Scheme 2023. Collection method: clinical testing. Allele origin: germline.